The following is an entry in ClinVar:

NM_018706.7(DHTKD1):c.1307A>G (p.Asn436Ser)

Gene: DHTKD1 (dehydrogenase E1 and transketolase domain containing 1; plus strand). Cytogenetic location: 10p14.
Variant type: single nucleotide variant.
Coding change: c.1307A>G on transcript NM_018706.7 (MANE Select); coding-DNA position 1307, A replaced by G.
Protein change: p.Asn436Ser; replaces asparagine 436 with serine.
Molecular consequence: missense variant.
Genome position (GRCh38, 1-based): chr10:12,094,220, A>G. VCF-style: chr10-12094220-A-G. GRCh37 (hg19) VCF-style: chr10-12136219-A-G.
Other names: short protein forms N436S.
Identifiers: ClinVar variation 1415076 (VCV001415076.6), dbSNP rs368119003, ClinGen allele CA5407805.
Genomic context (GRCh38, chr10:12,094,220, plus strand): 5'-AACGCCAGTTCCGCAAGGATGTGATTATTGATCTGTTGTGCTACAGGCAGTGGGGCCACA[A>G]TGAGCTGGATGAGCCATTCTACACCAACCCCATCATGTACAAAATCATCAGGTACAATTA-3'
Protein context (NP_061176.4, residues 426-446): DLLCYRQWGH[Asn436Ser]ELDEPFYTNP

ClinVar aggregate classification (germline): Uncertain significance (1 of 4 stars; one submission).

Conditions:
2-aminoadipic 2-oxoadipic aciduria (AAKAD). Also called: ALPHA-AMINOADIPIC AND ALPHA-KETOADIPIC ACIDURIA; Aminoadipic aciduria. Identifiers: Orphanet 79154, MedGen C1859817, MONDO:0008774, OMIM 204750.

Allele frequency attached by ClinVar (database versions not stated): gnomAD 0.00001 and 0.00004; gnomAD exomes 0.00001 and 0.00003; TOPMed 0.00002; ExAC 0.00004; ESP Exome Variant Server 0.00008.
gnomAD v4.1: 19 of 1,614,222 alleles (0.0012%); highest among the groups gnomAD compares: East Asian, 0.022%; 1 homozygote.

Submission:

Labcorp Genetics (formerly Invitae), Labcorp
Classification: Uncertain significance for 2-aminoadipic 2-oxoadipic aciduria. Last evaluated: 2024-06-11. Review status: criteria provided, single submitter. Criteria: Invitae Variant Classification Sherloc (09022015). Collection method: clinical testing. Allele origin: germline.
Comment: This sequence change replaces asparagine, which is neutral and polar, with serine, which is neutral and polar, at codon 436 of the DHTKD1 protein (p.Asn436Ser). This variant is present in population databases (rs368119003, gnomAD 0.03%). This variant has not been reported in the literature in individuals affected with DHTKD1-related conditions. ClinVar contains an entry for this variant (Variation ID: 1415076). Advanced modeling of protein sequence and biophysical properties (such as structural, functional, and spatial information, amino acid conservation, physicochemical variation, residue mobility, and thermodynamic stability) performed at Invitae indicates that this missense variant is not expected to disrupt DHTKD1 protein function with a negative predictive value of 80%. In summary, the available evidence is currently insufficient to determine the role of this variant in disease. Therefore, it has been classified as a Variant of Uncertain Significance.